The following is an entry in ClinVar:

ClinVar aggregate classification (germline): Pathogenic. Review status: criteria provided, single submitter (1 of 4 stars). 2 submissions from 2 submitters: Pathogenic (1). 1 of the submissions does not count toward it. Last evaluated 2025-05-12.

Conditions:
Cohen syndrome (COH1). Also called: Cutis verticis gyrata, retinitis pigmentosa, and sensorineural deafness; PEPPER SYNDROME. Identifiers: Orphanet 193, MedGen C0265223, MONDO:0008999, OMIM 216550.

Submissions (2):

Natera, Inc.
Classification: Pathogenic for Cohen syndrome. Last evaluated: 2025-05-12. Review status: criteria provided, single submitter. Criteria: Natera Variant Classification Schema (03/2026). Collection method: clinical testing. Allele origin: germline.
Comment: The c.9406-1G>C variant in VPS13B is a canonical splice acceptor site variant predicted to affect pre-mRNA splicing, which may result in an abnormal transcript and altered protein product. This variant is expected to result in nonsense mediated decay, truncation, or a dysfunctional protein product. This variant is rare in the general population with a frequency below the threshold expected for the associated phenotype(s). This variant has been observed in one or more individuals affected with the associated recessive disease, as either homozygous or compound heterozygous with a second variant (PMID: 19190672). Functional studies show that this variant may disrupt protein function (PMID: 19190672). Another variant at this same site results in an alteration predicted to cause a similar molecular effect has been observed in individual(s) with the associated phenotype. Given the available evidence, this variant is classified as Pathogenic.

OMIM
Classification: Pathogenic for COHEN SYNDROME. Last evaluated: 2009-08-01. Review status: no assertion criteria provided. Collection method: literature only. Allele origin: germline. Not counted in ClinVar's aggregate classification.

Literature cited by the submitters: PubMed 19190672 (cited by Natera, Inc. and OMIM); PubMed 11169562 (cited by OMIM).

NM_152564.5(VPS13B):c.9331-1G>C

Gene: VPS13B (vacuolar protein sorting 13 homolog B; plus strand). Cytogenetic location: 8q22.2.
Variant type: single nucleotide variant.
Coding change: c.9331-1G>C on transcript NM_152564.5 (MANE Select); the canonical splice acceptor site of the intron before coding-DNA position 9331, G replaced by C.
Molecular consequence: splice acceptor variant.
Genome position (GRCh38, 1-based): chr8:99,832,368, G>C. VCF-style: chr8-99832368-G-C. GRCh37 (hg19) VCF-style: chr8-100844596-G-C.
Other names: IVS51AS, G-C, -1; c.9406-1G>C (NM_017890.5).
Identifiers: ClinVar variation 189197 (VCV000189197.3), dbSNP rs386834119, ClinGen allele CA274486.
Genomic context (GRCh38, chr8:99,832,368, plus strand): 5'-CTGCTGTATTACTGTAGCTAATGTGCTCTCTGCATTTTTTTTTTTTTTTTTTTTTTTTTA[G>C]TATTTTCGTGTTCCAGACAGTGCTACTTTTAGCATTTGCCCAGGTGGAGAGCAGCCTGCT-3'